The following is an entry in ClinVar:

ClinVar aggregate classification (germline): Uncertain significance (1 of 4 stars; one submission).

Conditions:
Early-infantile DEE. Also called: Early infantile epileptic encephalopathy; Early infantile epileptic encephalopathy with suppression bursts; Ohtahara syndrome. Identifiers: Orphanet 1934, MedGen C0393706, MONDO:0800491.

Submission:

Labcorp Genetics (formerly Invitae), Labcorp
Classification: Uncertain significance for Early-infantile DEE. Last evaluated: 2023-12-11. Review status: criteria provided, single submitter. Criteria: Invitae Variant Classification Sherloc (09022015). Collection method: clinical testing. Allele origin: germline.
Comment: This sequence change replaces phenylalanine, which is neutral and non-polar, with leucine, which is neutral and non-polar, at codon 545 of the KCNH5 protein (p.Phe545Leu). This variant is not present in population databases (gnomAD no frequency). This variant has not been reported in the literature in individuals affected with KCNH5-related conditions. Advanced modeling of protein sequence and biophysical properties (such as structural, functional, and spatial information, amino acid conservation, physicochemical variation, residue mobility, and thermodynamic stability) performed at Invitae indicates that this missense variant is not expected to disrupt KCNH5 protein function with a negative predictive value of 95%. In summary, the available evidence is currently insufficient to determine the role of this variant in disease. Therefore, it has been classified as a Variant of Uncertain Significance.

NM_139318.5(KCNH5):c.1635T>A (p.Phe545Leu)

Gene: KCNH5 (potassium voltage-gated channel subfamily H member 5; minus strand). Cytogenetic location: 14q23.2.
Variant type: single nucleotide variant.
Coding change: c.1635T>A on transcript NM_139318.5 (MANE Select); coding-DNA position 1635, T replaced by A.
Protein change: p.Phe545Leu; replaces phenylalanine 545 with leucine.
Molecular consequence: missense variant.
Genome position (GRCh38, 1-based): chr14:62,802,516, A>T on the plus strand (T>A on the coding strand, the complement: KCNH5 is on the minus strand). VCF-style: chr14-62802516-A-T. GRCh37 (hg19) VCF-style: chr14-63269234-A-T.
Other names: c.1635T>A, p.Phe545Leu (NM_172375.3); short protein forms F545L.
Identifiers: ClinVar variation 2845775 (VCV002845775.3), dbSNP rs2502790569, ClinGen allele CA390101963.
Genomic context (GRCh38, chr14:62,802,516, plus strand): 5'-CTCTACCGCCAAGGCGCGCAGACACCCATCGCTGGCCAATCGAAAAGCAGGATGTTCATT[A>T]AAAACCTTCCGGTTTAGATGAACACAGATATCAGCTCTCATGTCCTTGGGACAGATGGAG-3'
Protein context (NP_647479.2, residues 535-555): DICVHLNRKV[Phe545Leu]NEHPAFRLAS